The following is an entry in ClinVar:

NM_000384.3(APOB):c.3574A>G (p.Asn1192Asp)

Gene: APOB (apolipoprotein B; minus strand). Cytogenetic location: 2p24.1.
Variant type: single nucleotide variant.
Coding change: c.3574A>G on transcript NM_000384.3 (MANE Select); coding-DNA position 3574, A replaced by G.
Protein change: p.Asn1192Asp; replaces asparagine 1192 with aspartic acid.
Molecular consequence: missense variant.
Genome position (GRCh38, 1-based): chr2:21,015,195, T>C on the plus strand (A>G on the coding strand, the complement: APOB is on the minus strand). VCF-style: chr2-21015195-T-C. GRCh37 (hg19) VCF-style: chr2-21238067-T-C.
Other names: short protein forms N1192D.
Identifiers: ClinVar variation 5026777 (VCV005026777.1).

ClinVar aggregate classification (germline): Uncertain significance (1 of 4 stars; one submission).

Conditions:
Cardiovascular phenotype. Identifiers: MedGen CN230736.

Submission:

Ambry Genetics
Classification: Uncertain significance for Cardiovascular phenotype. Last evaluated: 2026-07-02. Review status: criteria provided, single submitter. Criteria: Ambry Variant Classification Scheme 2023. Collection method: clinical testing. Allele origin: germline.
Comment: The p.N1192D variant (also known as c.3574A>G), located in coding exon 23 of the APOB gene, results from an A to G substitution at nucleotide position 3574. The asparagine at codon 1192 is replaced by aspartic acid, an amino acid with highly similar properties. This amino acid position is conserved. In addition, this alteration is predicted to be tolerated by in silico analysis. Based on the available evidence, the clinical significance of this variant remains unclear.